The following is an entry in ClinVar:

ClinVar aggregate classification (germline): Uncertain significance (1 of 4 stars; one submission).

Conditions:
Symmetrical dyschromatosis of extremities (DSH). Also called: DYSCHROMATOSIS SYMMETRICA HEREDITARIA 1; RETICULATE ACROPIGMENTATION OF DOHI; SYMMETRIC DYSCHROMATOSIS OF THE EXTREMITIES; Dyschromatosis symmetrica hereditaria. Identifiers: Orphanet 41, MedGen C0406775, MONDO:0007483, OMIM 127400.
Aicardi-Goutieres syndrome 6 (AGS6). Identifiers: Orphanet 51, MedGen C3539013, MONDO:0014007, OMIM 615010.

Submission:

Labcorp Genetics (formerly Invitae), Labcorp
Classification: Uncertain significance for Aicardi-Goutieres syndrome 6; Symmetrical dyschromatosis of extremities. Last evaluated: 2024-04-15. Review status: criteria provided, single submitter. Criteria: Invitae Variant Classification Sherloc (09022015). Collection method: clinical testing. Allele origin: germline.
Comment: This sequence change replaces cysteine, which is neutral and slightly polar, with arginine, which is basic and polar, at codon 392 of the ADAR protein (p.Cys392Arg). This variant is not present in population databases (gnomAD no frequency). This variant has not been reported in the literature in individuals affected with ADAR-related conditions. Advanced modeling of protein sequence and biophysical properties (such as structural, functional, and spatial information, amino acid conservation, physicochemical variation, residue mobility, and thermodynamic stability) performed at Invitae indicates that this missense variant is not expected to disrupt ADAR protein function with a negative predictive value of 80%. In summary, the available evidence is currently insufficient to determine the role of this variant in disease. Therefore, it has been classified as a Variant of Uncertain Significance.

NM_001111.5(ADAR):c.1174T>C (p.Cys392Arg)

Gene: ADAR (adenosine deaminase RNA specific; minus strand). Cytogenetic location: 1q21.3.
Variant type: single nucleotide variant.
Coding change: c.1174T>C on transcript NM_001111.5 (MANE Select); coding-DNA position 1174, T replaced by C.
Protein change: p.Cys392Arg; replaces cysteine 392 with arginine.
Molecular consequence: missense variant.
Genome position (GRCh38, 1-based): chr1:154,601,468, A>G on the plus strand (T>C on the coding strand, the complement: ADAR is on the minus strand). VCF-style: chr1-154601468-A-G. GRCh37 (hg19) VCF-style: chr1-154573944-A-G.
Other names: c.289T>C, p.Cys97Arg (NM_001365047.1, NM_001365048.1, NM_001365049.1 and 3 more transcripts); c.1174T>C, p.Cys392Arg (NM_015840.4, NM_015841.4); c.1201T>C, p.Cys401Arg (NM_001365045.1); short protein forms C392R, C401R, C97R.
Identifiers: ClinVar variation 3751080 (VCV003751080.2).